The following is an entry in ClinVar:

ClinVar aggregate classification (germline): Uncertain significance (1 of 4 stars; one submission).

Conditions:
Autosomal dominant polycystic kidney disease. Identifiers: Orphanet 730, MedGen C0085413, MONDO:0004691.

gnomAD v4.1: 1 of 1,537,174 alleles (0.000065%); highest among the groups gnomAD compares: East Asian, 0.0023%; no homozygotes.

Submission:

Labcorp Genetics (formerly Invitae), Labcorp
Classification: Uncertain significance for Autosomal dominant polycystic kidney disease. Last evaluated: 2025-01-13. Review status: criteria provided, single submitter. Criteria: Invitae Variant Classification Sherloc (09022015). Collection method: clinical testing. Allele origin: germline.
Comment: This sequence change replaces phenylalanine, which is neutral and non-polar, with leucine, which is neutral and non-polar, at codon 666 of the PKD2 protein (p.Phe666Leu). This variant is not present in population databases (gnomAD no frequency). This variant has not been reported in the literature in individuals affected with PKD2-related conditions. Invitae Evidence Modeling of protein sequence and biophysical properties (such as structural, functional, and spatial information, amino acid conservation, physicochemical variation, residue mobility, and thermodynamic stability) indicates that this missense variant is not expected to disrupt PKD2 protein function with a negative predictive value of 80%. In summary, the available evidence is currently insufficient to determine the role of this variant in disease. Therefore, it has been classified as a Variant of Uncertain Significance.

NM_000297.4(PKD2):c.1998C>G (p.Phe666Leu)

Gene: PKD2 (polycystin 2, transient receptor potential cation channel; plus strand). Cytogenetic location: 4q22.1.
Variant type: single nucleotide variant.
Coding change: c.1998C>G on transcript NM_000297.4 (MANE Select); coding-DNA position 1998, C replaced by G.
Protein change: p.Phe666Leu; replaces phenylalanine 666 with leucine.
Molecular consequence: missense variant.
Genome position (GRCh38, 1-based): chr4:88,058,082, C>G. VCF-style: chr4-88058082-C-G. GRCh37 (hg19) VCF-style: chr4-88979234-C-G.
Other names: short protein forms F666L.
Identifiers: ClinVar variation 3666222 (VCV003666222.2).